The following is an entry in ClinVar:

ClinVar aggregate classification (germline): Pathogenic (1 of 4 stars; one submission).

Conditions:
Birt-Hogg-Dube syndrome. Also called: Birt Hogg Dubé syndrome. Identifiers: Orphanet 122, MedGen C0346010, MONDO:0800444.

Submission:

Labcorp Genetics (formerly Invitae), Labcorp
Classification: Pathogenic for Birt-Hogg-Dube syndrome. Last evaluated: 2017-05-05. Review status: criteria provided, single submitter. Criteria: Invitae Variant Classification Sherloc (09022015). Collection method: clinical testing. Allele origin: germline.
Comment: For these reasons, this variant has been classified as Pathogenic. This particular deletion has not been reported in the literature in individuals with a FLCN-related disease. This gross deletion is expected to affect the C-terminal FNIP1/FNIP2 interaction domain including the minimal interaction region (residues 517-579), which is required to influence mTOR signaling pathway (PMID: 26334087, 17028174, 18403135, 18663353). Different truncations affecting downstream of this variant (deletion of exon 14, p.Arg527*) has been determined to be pathogenic (PMID: 24393238, 25807935, 27229674, Invitae). This suggests that deletion of this region of the FLCN protein is causative of disease. This variant is a gross deletion of the genomic region encompassing the last 102 nucleotides of exon 13 through the last exon 14, and the additional nucleotides in the 3'UTR of the FLCN gene (c.1437_*921del). While this deletion is not anticipated to result in nonsense mediated decay, it is expected to create a truncated protein product.

Literature cited by the submitters: PubMed 26334087; PubMed 17028174; PubMed 18403135; PubMed 18663353; PubMed 24393238; PubMed 25807935; PubMed 27229674.

NC_000017.10:g.(?_17116047)_(17118400_?)del

Gene: FLCN (folliculin; minus strand). Cytogenetic location: 17p11.2.
Variant type: Deletion.
Identifiers: ClinVar variation 460576 (VCV000460576.3).